The following is an entry in ClinVar:

NM_004629.2(FANCG):c.1079C>T (p.Ala360Val)

Gene: FANCG (FA complementation group G; minus strand). Cytogenetic location: 9p13.3.
Variant type: single nucleotide variant.
Coding change: c.1079C>T on transcript NM_004629.2 (MANE Select); coding-DNA position 1079, C replaced by T.
Protein change: p.Ala360Val; replaces alanine 360 with valine.
Molecular consequence: missense variant.
Genome position (GRCh38, 1-based): chr9:35,076,026, G>A on the plus strand (C>T on the coding strand, the complement: FANCG is on the minus strand). VCF-style: chr9-35076026-G-A. GRCh37 (hg19) VCF-style: chr9-35076023-G-A.
Other names: short protein forms A360V.
Identifiers: ClinVar variation 4825749 (VCV004825749.1).
Genomic context (GRCh38, chr9:35,076,026, plus strand): 5'-GGCTCCGAGCTATCCAGCAACAGGGCCAGCAGGTCCAAGTAATGCTCTGCAGCGTCTCCT[G>A]CCCTGAGGAGTAAAAGCCCATAAGCCTCACCCTAGGCCCTAGCAGGGAACCTGCAAGGGT-3'
Protein context (NP_004620.1, residues 350-370): LASRCLQTGR[Ala360Val]GDAAEHYLDL

ClinVar aggregate classification (germline): Uncertain significance (1 of 4 stars; one submission).

Conditions:
Inborn genetic diseases. Identifiers: MedGen C0950123, MeSH D030342.

Submission:

Ambry Genetics
Classification: Uncertain significance for Inborn genetic diseases. Last evaluated: 2026-02-28. Review status: criteria provided, single submitter. Criteria: Ambry Variant Classification Scheme 2023. Collection method: clinical testing. Allele origin: germline.
Comment: The p.A360V variant (also known as c.1079C>T), located in coding exon 9 of the FANCG gene, results from a C to T substitution at nucleotide position 1079. The alanine at codon 360 is replaced by valine, an amino acid with similar properties. This amino acid position is conserved. In addition, this alteration is predicted to be tolerated by in silico analysis. Based on the available evidence, the clinical significance of this variant remains unclear.